The following is an entry in ClinVar:

NM_006030.4(CACNA2D2):c.97_103del (p.Thr33fs)

Gene: CACNA2D2 (calcium voltage-gated channel auxiliary subunit alpha2delta 2; minus strand). Cytogenetic location: 3p21.31.
Variant type: Deletion.
Coding change: c.97_103del on transcript NM_006030.4 (MANE Select); coding-DNA positions 97 to 103, 7 bases deleted (ACCCGGC; older notation c.97_103delACCCGGC).
Protein change: p.Thr33fs; shifts the reading frame from threonine 33.
Molecular consequence: frameshift variant. On other transcripts: intron variant (1).
Genome position (GRCh38, 1-based): chr3:50,503,321-50,503,327, GCCGGGT deleted on the plus strand (ACCCGGC on the coding strand, the reverse complement: CACNA2D2 is on the minus strand); deleting any 7 consecutive bases within chr3:50,503,321-50,503,333 gives the same sequence; the c. name uses the placement nearest the transcript's 3' end. VCF-style (leftmost placement, unchanged base first): chr3-50503320-CGCCGGGT-C. GRCh37 (hg19) VCF-style: chr3-50540751-CGCCGGGT-C.
Other names: c.97_103del, p.Thr33fs (NM_001005505.3, NM_001174051.3, NM_001410768.1); c.-2+742_-2+748del (NM_001291101.1); short protein forms T33fs.
Identifiers: ClinVar variation 3721562 (VCV003721562.2).
Genomic context (GRCh38, chr3:50,503,320, plus strand): 5'-GCGAGCAGCGGTAGAAGCGGCAGCAGCAGCCACAGCGGGCGCGGGGGCCCGGACGTCGGG[CGCCGGGT>C]GCCGGGGCCAGGGTGGGGGCCGCAGCCGGGCCAGGGGCGCGCAGTCCGCGCTGGGCCGGG-3'

ClinVar aggregate classification (germline): Pathogenic (1 of 4 stars; one submission).

Conditions:
Early-infantile DEE. Also called: Ohtahara syndrome; Early infantile epileptic encephalopathy with suppression bursts; Early infantile epileptic encephalopathy. Identifiers: Orphanet 1934, MedGen C0393706, MONDO:0800491.

Submission:

Labcorp Genetics (formerly Invitae), Labcorp
Classification: Pathogenic for Early-infantile DEE. Last evaluated: 2024-10-09. Review status: criteria provided, single submitter. Criteria: Invitae Variant Classification Sherloc (09022015). Collection method: clinical testing. Allele origin: germline.
Comment: This sequence change creates a premature translational stop signal (p.Thr33Alafs*50) in the CACNA2D2 gene. It is expected to result in an absent or disrupted protein product. Loss-of-function variants in CACNA2D2 are known to be pathogenic (PMID: 24358150). This variant is not present in population databases (gnomAD no frequency). This variant has not been reported in the literature in individuals affected with CACNA2D2-related conditions. For these reasons, this variant has been classified as Pathogenic.

Literature cited by the submitters: PubMed 24358150.